The following is an entry in ClinVar:

ClinVar aggregate classification (germline): Likely pathogenic (1 of 4 stars; one submission).

Conditions:
Mendelian susceptibility to mycobacterial diseases due to complete IL12RB1 deficiency. Also called: IL12RB1 DEFICIENCY; Immunodeficiency 30. Identifiers: Orphanet 319552, MedGen C4013949, MONDO:0013955, OMIM 614891.

gnomAD v4.1: 3 of 1,605,784 alleles (0.00019%); highest among the groups gnomAD compares: Non-Finnish European, 0.00025%; no homozygotes.

Submission:

Labcorp Genetics (formerly Invitae), Labcorp
Classification: Likely pathogenic for Mendelian susceptibility to mycobacterial diseases due to complete IL12RB1 deficiency. Last evaluated: 2025-05-11. Review status: criteria provided, single submitter. Criteria: Invitae Variant Classification Sherloc (09022015). Collection method: clinical testing. Allele origin: germline.
Comment: This sequence change affects a donor splice site in intron 10 of the IL12RB1 gene. It is expected to disrupt RNA splicing. Variants that disrupt the donor or acceptor splice site typically lead to a loss of protein function (PMID: 16199547), and loss-of-function variants in IL12RB1 are known to be pathogenic (PMID: 9603733, 12591909). This variant is present in population databases (no rsID available, gnomAD 0.002%). Disruption of this splice site has been observed in individual(s) with clinical features of IL-12Rβ1 deficiency (PMID: 21057261). Algorithms developed to predict the effect of sequence changes on RNA splicing suggest that this variant may disrupt the consensus splice site. In summary, the currently available evidence indicates that the variant is pathogenic, but additional data are needed to prove that conclusively. Therefore, this variant has been classified as Likely Pathogenic.

Literature cited by the submitters: PubMed 16199547; PubMed 9603733; PubMed 12591909; PubMed 21057261.

NM_005535.3(IL12RB1):c.1189+2T>A

Gene: IL12RB1 (interleukin 12 receptor subunit beta 1; minus strand). Cytogenetic location: 19p13.11.
Variant type: single nucleotide variant.
Coding change: c.1189+2T>A on transcript NM_005535.3 (MANE Select); the canonical splice donor site of the intron after coding-DNA position 1189, T replaced by A.
Molecular consequence: splice donor variant.
Genome position (GRCh38, 1-based): chr19:18,069,544, A>T on the plus strand (T>A on the coding strand, the complement: IL12RB1 is on the minus strand). VCF-style: chr19-18069544-A-T. GRCh37 (hg19) VCF-style: chr19-18180354-A-T.
Other names: c.1309+2T>A (NM_001290024.2); c.1189+2T>A (NM_001290023.2); c.1210+2T>A (NM_001440425.1, NM_001440424.1).
Identifiers: ClinVar variation 4710520 (VCV004710520.1).